The following is an entry in ClinVar:

NM_005862.3(STAG1):c.3313A>G (p.Met1105Val)

Gene: STAG1 (STAG1 cohesin complex component; minus strand). Cytogenetic location: 3q22.3.
Variant type: single nucleotide variant.
Coding change: c.3313A>G on transcript NM_005862.3 (MANE Select); coding-DNA position 3313, A replaced by G.
Protein change: p.Met1105Val; replaces methionine 1105 with valine.
Molecular consequence: missense variant.
Genome position (GRCh38, 1-based): chr3:136,343,965, T>C on the plus strand (A>G on the coding strand, the complement: STAG1 is on the minus strand). VCF-style: chr3-136343965-T-C. GRCh37 (hg19) VCF-style: chr3-136062807-T-C.
Other names: short protein forms M1105V.
Identifiers: ClinVar variation 2870766 (VCV002870766.3), dbSNP rs997104717, ClinGen allele CA83828626.

ClinVar aggregate classification (germline): Uncertain significance (1 of 4 stars; one submission).

Allele frequency attached by ClinVar (database versions not stated): gnomAD exomes below 0.00001; TOPMed below 0.00001; gnomAD 0.00001.

Submission:

Labcorp Genetics (formerly Invitae), Labcorp
Classification: Uncertain significance. Last evaluated: 2025-03-31. Review status: criteria provided, single submitter. Criteria: Invitae Variant Classification Sherloc (09022015). Collection method: clinical testing. Allele origin: germline.
Comment: This sequence change replaces methionine, which is neutral and non-polar, with valine, which is neutral and non-polar, at codon 1105 of the STAG1 protein (p.Met1105Val). This variant is present in population databases (no rsID available, gnomAD 0.0009%). This variant has not been reported in the literature in individuals affected with STAG1-related conditions. ClinVar contains an entry for this variant (Variation ID: 2870766). Invitae Evidence Modeling of protein sequence and biophysical properties (such as structural, functional, and spatial information, amino acid conservation, physicochemical variation, residue mobility, and thermodynamic stability) indicates that this missense variant is not expected to disrupt STAG1 protein function with a negative predictive value of 95%. In summary, the available evidence is currently insufficient to determine the role of this variant in disease. Therefore, it has been classified as a Variant of Uncertain Significance.